The following is an entry in ClinVar:

NM_012144.4(DNAI1):c.1490G>A (p.Gly497Asp)

Gene: DNAI1 (dynein axonemal intermediate chain 1; plus strand). Cytogenetic location: 9p13.3.
Variant type: single nucleotide variant.
Coding change: c.1490G>A on transcript NM_012144.4 (MANE Select); coding-DNA position 1490, G replaced by A.
Protein change: p.Gly497Asp; replaces glycine 497 with aspartic acid.
Molecular consequence: missense variant.
Genome position (GRCh38, 1-based): chr9:34,513,112, G>A. VCF-style: chr9-34513112-G-A. GRCh37 (hg19) VCF-style: chr9-34513110-G-A.
Other names: c.1502G>A (NM_001281428.1); c.1502G>A, p.Gly501Asp (NM_001281428.2); short protein forms G497D, G501D.
Identifiers: ClinVar variation 65703 (VCV000065703.25), dbSNP rs376252276, ClinGen allele CA345040.

ClinVar aggregate classification (germline): Conflicting classifications of pathogenicity. Review status: criteria provided, conflicting classifications (1 of 4 stars). 10 submissions from 10 submitters: Pathogenic (2); Likely pathogenic (6); Uncertain significance (1). 1 of the submissions does not count toward it. Last evaluated 2026-05-14.

Conditions:
DNAI1-related disorders.
DNAI1-related disorder. Also called: DNAI1-related condition.
Primary ciliary dyskinesia. Also called: Ciliary dyskinesia. Identifiers: Orphanet 244, MedGen C0008780, MONDO:0016575, HP:0012265.
Kartagener syndrome (CILD1). Also called: Dextrocardia bronchiectasis and sinusitis; SIEWERT SYNDROME; CILIARY DYSKINESIA, PRIMARY, 1; CILIARY DYSKINESIA, PRIMARY, 1, WITH OR WITHOUT SITUS INVERSUS; IMMOTILE CILIA SYNDROME; POLYNESIAN BRONCHIECTASIS. Identifiers: Orphanet 244, MedGen C4551906, MONDO:0009484, OMIM 244400.

Allele frequency attached by ClinVar (database versions not stated): ExAC 0.00005; gnomAD 0.00005; TOPMed 0.00005; ESP Exome Variant Server 0.00008.
gnomAD v4.1: 117 of 1,613,834 alleles (0.0072%); highest among the groups gnomAD compares: Non-Finnish European, 0.0069%; no homozygotes.

Submissions (10):

Myriad Genetics, Inc.
Classification: Uncertain significance for Kartagener syndrome. Last evaluated: 2026-05-14. Review status: criteria provided, single submitter. Criteria: Myriad Autosomal Dominant, Autosomal Recessive and X-Linked Classification Criteria (2023). Collection method: clinical testing. Allele origin: unknown.
Comment: NM_012144.2(DNAI1):c.1490G>A(G497D) is a missense variant classified as a variant of uncertain significance in the context of primary ciliary dyskinesia, DNAI1-related. G497D has been observed in a case with relevant disease (PMID: 16858015). Relevant functional assessments of this variant are available in the literature (PMID: 16858015). G497D has been observed in referenced population frequency databases. In summary, there is insufficient evidence to classify NM_012144.2(DNAI1):c.1490G>A(G497D) as pathogenic or benign. Please note: this variant was assessed in the context of healthy population screening.

Natera, Inc.
Classification: Likely pathogenic for Primary ciliary dyskinesia. Last evaluated: 2026-01-29. Review status: criteria provided, single submitter. Criteria: Natera Variant Classification Schema (03/2026). Collection method: clinical testing. Allele origin: germline.
Comment: The c.1490G>A variant in DNAI1 is a missense variant predicted to cause substitution of glycine to aspartic acid at amino acid 497. This variant is rare in the general population with a frequency below the threshold expected for the associated phenotype(s). This variant has been observed in one or more individuals affected with the associated recessive disease, as either homozygous or compound heterozygous with a second variant (PMID: 16858015). Functional studies show that this variant may disrupt protein function (PMID: 16858015). Given the available evidence, this variant is classified as Likely Pathogenic.

PreventionGenetics, part of Exact Sciences
Classification: Likely pathogenic for DNAI1-related condition. Last evaluated: 2025-11-06. Review status: criteria provided, single submitter. Criteria: ACMG Guidelines, 2015. Collection method: clinical testing. Allele origin: germline.
Comment: The DNAI1 c.1490G>A variant is predicted to result in the amino acid substitution p.Gly497Asp. This variant was reported in the compound heterozygous state, along with the pathogenic c.48+2dup variant, in an individual with primary ciliary dyskinesia (Zariwala et al. 2006. PubMed ID: 16858015). mRNA studies showed that this variant causes the skipping of exons 15 and 16 and results in an in-frame deletion of 56 amino acids (R468_K523del) (Zariwala et al. 2006. PubMed ID: 16858015). This variant was also described, along with the c.48+2dup variant, in a patient with non-cystic fibrosis bronchiectasis (Shoemark et al. 2022. PubMed ID: 35728977). This variant is reported in 0.13% of alleles in individuals of Ashkenazi Jewish descent in gnomAD. This variant is interpreted as likely pathogenic.

Labcorp Genetics (formerly Invitae), Labcorp
Classification: Pathogenic for Primary ciliary dyskinesia. Last evaluated: 2025-11-03. Review status: criteria provided, single submitter. Criteria: Invitae Variant Classification Sherloc (09022015). Collection method: clinical testing. Allele origin: germline.
Comment: This sequence change replaces glycine, which is neutral and non-polar, with aspartic acid, which is acidic and polar, at codon 497 of the DNAI1 protein (p.Gly497Asp). RNA analysis indicates that this missense change induces altered splicing and likely results in a shortened protein product. This variant is present in population databases (rs376252276, gnomAD 0.1%). This missense change has been observed in individual(s) with primary ciliary dyskinesia (PMID: 16858015). In at least one individual the data is consistent with being in trans (on the opposite chromosome) from a pathogenic variant. ClinVar contains an entry for this variant (Variation ID: 65703). An algorithm developed to predict the effect of missense changes on protein structure and function (PolyPhen-2) suggests that this variant is likely to be tolerated. Studies have shown that this missense change results in skipping of exons 15-16, but is expected to preserve the integrity of the reading-frame (PMID: 16858015). For these reasons, this variant has been classified as Pathogenic.

Ambry Genetics
Classification: Pathogenic for Primary ciliary dyskinesia. Last evaluated: 2025-10-29. Review status: criteria provided, single submitter. Criteria: Ambry Variant Classification Scheme 2023. Collection method: clinical testing. Allele origin: germline.
Comment: The p.G497D pathogenic mutation (also known as c.1490G>A) is located in coding exon 16 of the DNAI1 gene. The glycine at codon 497 is replaced by aspartic acid, an amino acid with similar properties. This change occurs in the first base pair of coding exon 16. The two mutations were confirmed through family studies to be in trans. Parental RNA analysis revealed an aberrant splice product from the p.G497D allele, leading to an in-frame deletion of 56 amino acids due to skipping of exons 15 and 16 (Zariwala MA, Am. J. Respir. Crit. Care Med. 2006 Oct; 174(8):858-66). Based on the supporting evidence, p.G497D is interpreted as a disease-causing mutation.

Variantyx, Inc.
Classification: Likely pathogenic for Kartagener syndrome. Last evaluated: 2025-05-06. Review status: criteria provided, single submitter. Criteria: Variantyx Assertion Criteria 2022. Collection method: clinical testing. Allele origin: germline. Inheritance: Autosomal recessive inheritance. Affected: yes.
Comment: This is a nonsynonymous variant in the DNAI1 gene (OMIM: 604366). Pathogenic variants in this gene have been associated with autosomal recessive primary ciliary dyskinesia-1. This variant causes the skipping of exons 15 and 16 and results in an in-frame deletion of 56 amino acids of the DNAI1 protein, reported as R468_K523del (PMID: 16858015) (PM4). This variant has been identified in the compound heterozygous state in at least one individual reported in the published literature (PMID: 16858015) (PM3) and has a 0.0069% maximum allele frequency in non-founder control populations (PM2). The clinical symptoms reported for this proband are highly specific for autosomal recessive primary ciliary dyskinesia-1, which has a limited genetic etiology (PMID: 11231901) (PP4). Based on the current evidence, this variant is classified as likely pathogenic for autosomal recessive primary ciliary dyskinesia-1.

Fulgent Genetics
Classification: Likely pathogenic for Kartagener syndrome. Last evaluated: 2024-05-13. Review status: criteria provided, single submitter. Criteria: ACMG Guidelines, 2015. Collection method: clinical testing. Allele origin: germline.

Revvity Omics, Revvity
Classification: Likely pathogenic for Kartagener syndrome. Last evaluated: 2022-03-08. Review status: criteria provided, single submitter. Criteria: ACMG Guidelines, 2015. Collection method: clinical testing. Allele origin: germline.

Blueprint Genetics
Classification: Likely pathogenic for DNAI1-related disorders. Last evaluated: 2021-02-24. Review status: criteria provided, single submitter. Criteria: ACMG Guidelines, 2015. Collection method: clinical testing. Allele origin: germline. Affected: yes. Observed: 2 variant alleles.

Counsyl
Classification: Uncertain significance for Kartagener syndrome. Last evaluated: 2018-05-22. Review status: no assertion criteria provided. Collection method: clinical testing. Allele origin: unknown. Not counted in ClinVar's aggregate classification.

Literature cited by the submitters: PubMed 16858015 (cited by 6 submitters); PubMed 25802884 (cited by Counsyl).